The following is an entry in ClinVar:

NM_000264.5(PTCH1):c.3745G>A (p.Gly1249Ser)

Gene: PTCH1 (patched 1; minus strand). Cytogenetic location: 9q22.32.
Variant type: single nucleotide variant.
Coding change: c.3745G>A on transcript NM_000264.5 (MANE Select); coding-DNA position 3745, G replaced by A.
Protein change: p.Gly1249Ser; replaces glycine 1249 with serine.
Molecular consequence: missense variant. On other transcripts: non-coding transcript variant (1).
Genome position (GRCh38, 1-based): chr9:95,449,128, C>T on the plus strand (G>A on the coding strand, the complement: PTCH1 is on the minus strand). VCF-style: chr9-95449128-C-T. GRCh37 (hg19) VCF-style: chr9-98211410-C-T.
Other names: c.3547G>A, p.Gly1183Ser (NM_001083602.3); c.3742G>A, p.Gly1248Ser (NM_001083603.3); c.3292G>A, p.Gly1098Ser (NM_001083604.3, NM_001083605.3, NM_001083606.3 and 1 more transcripts); c.3589G>A, p.Gly1197Ser (NM_001354918.2); short protein forms G1197S, G1249S, G1098S, G1183S, G1248S.
Identifiers: ClinVar variation 1734504 (VCV001734504.5), dbSNP rs769446796, ClinGen allele CA374111022.

ClinVar aggregate classification (germline): Uncertain significance. Review status: criteria provided, multiple submitters, no conflicts (2 of 4 stars). 2 submissions from 2 submitters: Uncertain significance (2). Last evaluated 2024-01-06.

Conditions:
Hereditary cancer-predisposing syndrome. Also called: Neoplastic Syndromes, Hereditary; Tumor predisposition; Hereditary Cancer Syndrome; Hereditary neoplastic syndrome. Identifiers: Orphanet 140162, MedGen C0027672, MeSH D009386, MONDO:0015356.
Gorlin syndrome. Also called: Nevoid Basal Cell Carcinoma Syndrome; Basal cell nevus syndrome. Identifiers: Orphanet 377, MedGen C0004779, MONDO:0007187.

Submissions (2):

Labcorp Genetics (formerly Invitae), Labcorp
Classification: Uncertain significance for Gorlin syndrome. Last evaluated: 2024-01-06. Review status: criteria provided, single submitter. Criteria: Invitae Variant Classification Sherloc (09022015). Collection method: clinical testing. Allele origin: germline.
Comment: This sequence change replaces glycine, which is neutral and non-polar, with serine, which is neutral and polar, at codon 1249 of the PTCH1 protein (p.Gly1249Ser). This variant is not present in population databases (gnomAD no frequency). This variant has not been reported in the literature in individuals affected with PTCH1-related conditions. ClinVar contains an entry for this variant (Variation ID: 1734504). Advanced modeling of protein sequence and biophysical properties (such as structural, functional, and spatial information, amino acid conservation, physicochemical variation, residue mobility, and thermodynamic stability) performed at Invitae indicates that this missense variant is not expected to disrupt PTCH1 protein function with a negative predictive value of 95%. In summary, the available evidence is currently insufficient to determine the role of this variant in disease. Therefore, it has been classified as a Variant of Uncertain Significance.

Ambry Genetics
Classification: Uncertain significance for Hereditary cancer-predisposing syndrome. Last evaluated: 2020-05-28. Review status: criteria provided, single submitter. Criteria: Ambry Variant Classification Scheme 2023. Collection method: clinical testing. Allele origin: germline.
Comment: The p.G1249S variant (also known as c.3745G>A), located in coding exon 22 of the PTCH1 gene, results from a G to A substitution at nucleotide position 3745. The glycine at codon 1249 is replaced by serine, an amino acid with similar properties. This amino acid position is not well conserved in available vertebrate species. In addition, this alteration is predicted to be tolerated by in silico analysis. Since supporting evidence is limited at this time, the clinical significance of this alteration remains unclear.